The following is an entry in ClinVar:

ClinVar aggregate classification (germline): Uncertain significance (1 of 4 stars; one submission).

Allele frequency attached by ClinVar (database versions not stated): gnomAD exomes below 0.00001; TOPMed below 0.00001; gnomAD 0.00001.
gnomAD v4.1: 4 of 1,613,630 alleles (0.00025%); highest among the groups gnomAD compares: African/African-American, 0.0013%; no homozygotes.

Submission:

Labcorp Genetics (formerly Invitae), Labcorp
Classification: Uncertain significance. Last evaluated: 2023-02-11. Review status: criteria provided, single submitter. Criteria: Invitae Variant Classification Sherloc (09022015). Collection method: clinical testing. Allele origin: germline.
Comment: This sequence change replaces valine, which is neutral and non-polar, with methionine, which is neutral and non-polar, at codon 694 of the IL6ST protein (p.Val694Met). This variant is not present in population databases (gnomAD no frequency). This variant has not been reported in the literature in individuals affected with IL6ST-related conditions. Algorithms developed to predict the effect of missense changes on protein structure and function are either unavailable or do not agree on the potential impact of this missense change (SIFT: "Deleterious"; PolyPhen-2: "Probably Damaging"; Align-GVGD: "Class C0"). In summary, the available evidence is currently insufficient to determine the role of this variant in disease. Therefore, it has been classified as a Variant of Uncertain Significance.

NM_002184.4(IL6ST):c.2080G>A (p.Val694Met)

Gene: IL6ST (interleukin 6 cytokine family signal transducer; minus strand). Cytogenetic location: 5q11.2.
Variant type: single nucleotide variant.
Coding change: c.2080G>A on transcript NM_002184.4 (MANE Select); coding-DNA position 2080, G replaced by A.
Protein change: p.Val694Met; replaces valine 694 with methionine.
Molecular consequence: missense variant. On other transcripts: 3 prime UTR variant (1), non-coding transcript variant (2).
Genome position (GRCh38, 1-based): chr5:55,941,759, C>T on the plus strand (G>A on the coding strand, the complement: IL6ST is on the minus strand). VCF-style: chr5-55941759-C-T. GRCh37 (hg19) VCF-style: chr5-55237587-C-T.
Other names: c.1897G>A, p.Val633Met (NM_001190981.2); c.1978G>A, p.Val660Met (NM_001364275.2); c.1870G>A, p.Val624Met (NM_001364276.2); c.1213G>A, p.Val405Met (NM_001364277.2); c.1177G>A, p.Val393Met (NM_001364278.2); c.1084G>A, p.Val362Met (NM_001364279.2); c.*1007G>A (NM_175767.3); short protein forms V633M, V393M, V624M, V405M, V694M, V362M, V660M.
Identifiers: ClinVar variation 2086591 (VCV002086591.4), dbSNP rs1265205521, ClinGen allele CA359779988.